The following is an entry in ClinVar:

NM_003571.4(BFSP2):c.75G>A (p.Ala25=)

Gene: BFSP2 (beaded filament structural protein 2; plus strand). Cytogenetic location: 3q22.1.
Variant type: single nucleotide variant.
Coding change: c.75G>A on transcript NM_003571.4 (MANE Select); coding-DNA position 75, G replaced by A.
Protein change: p.Ala25=; no amino-acid change (alanine 25 retained).
Molecular consequence: synonymous variant.
Genome position (GRCh38, 1-based): chr3:133,400,158, G>A. VCF-style: chr3-133400158-G-A. GRCh37 (hg19) VCF-style: chr3-133119002-G-A.
Identifiers: ClinVar variation 343398 (VCV000343398.16), dbSNP rs146992682, ClinGen allele CA2623168.

ClinVar aggregate classification (germline): Benign. Review status: criteria provided, multiple submitters, no conflicts (2 of 4 stars). 3 submissions from 3 submitters: Benign (3). Last evaluated 2025-06-14.

Conditions:
Cataract 12 multiple types. Identifiers: Orphanet 91492, MedGen C3808115, MONDO:0012701, OMIM 611597.

Allele frequency attached by ClinVar (database versions not stated): ESP Exome Variant Server 0.00038; gnomAD exomes 0.00106 and 0.00271; gnomAD 0.00111 and 0.00142; TOPMed 0.00210; ExAC 0.00257; 1000 Genomes Project 0.00479; 1000 Genomes Project 30x 0.00500.
gnomAD v4.1: 1,924 of 1,614,140 alleles (0.12%); highest among the groups gnomAD compares: East Asian, 2.2%; 22 homozygotes.

Submissions (3):

Labcorp Genetics (formerly Invitae), Labcorp
Classification: Benign for Cataract 12 multiple types. Last evaluated: 2025-06-14. Review status: criteria provided, single submitter. Criteria: Invitae Variant Classification Sherloc (09022015). Collection method: clinical testing. Allele origin: germline.

Illumina Laboratory Services, Illumina
Classification: Benign for Cataract 12 multiple types. Last evaluated: 2018-01-13. Review status: criteria provided, single submitter. Criteria: ICSL Variant Classification Criteria 13 December 2019. Collection method: clinical testing. Allele origin: germline.
Comment: This variant was observed in the ICSL laboratory as part of a predisposition screen in an ostensibly healthy population. It had not been previously curated by ICSL or reported in the Human Gene Mutation Database (HGMD: prior to June 1st, 2018), and was therefore a candidate for classification through an automated scoring system. Utilizing variant allele frequency, disease prevalence and penetrance estimates, and inheritance mode, an automated score was calculated to assess if this variant is too frequent to cause the disease. Based on the score and internal cut-off values, a variant classified as benign is not then subjected to further curation. The score for this variant resulted in a classification of benign for this disease.

Breakthrough Genomics
Classification: Benign. Review status: criteria provided, single submitter. Criteria: ACMG Guidelines, 2015. Collection method: not provided. Allele origin: germline. Inheritance: Autosomal dominant inheritance. Affected: yes.